The following is an entry in ClinVar:

NM_003998.4(NFKB1):c.2301T>C (p.Asp767=)

Gene: NFKB1 (nuclear factor kappa B subunit 1; plus strand). Cytogenetic location: 4q24.
Variant type: single nucleotide variant.
Coding change: c.2301T>C on transcript NM_003998.4 (MANE Select); coding-DNA position 2301, T replaced by C.
Protein change: p.Asp767=; no amino-acid change (aspartic acid 767 retained).
Molecular consequence: synonymous variant.
Genome position (GRCh38, 1-based): chr4:102,610,648, T>C. VCF-style: chr4-102610648-T-C. GRCh37 (hg19) VCF-style: chr4-103531805-T-C.
Other names: c.2298T>C, p.Asp766= (NM_001165412.2, NM_001319226.2, NM_001382627.1); c.2301T>C, p.Asp767= (NM_001382625.1, NM_001382626.1); c.2259T>C, p.Asp753= (NM_001382628.1).
Identifiers: ClinVar variation 3061053 (VCV003061053.2), dbSNP rs2476563009, ClinGen allele CA440530918.
Genomic context (GRCh38, chr4:102,610,648, plus strand): 5'-GGTGGAGAACTTTGAGCCTCTCTATGACCTGGATGACTCTTGGGAAAATGCAGGAGAGGA[T>C]GAAGGAGTTGTGCCTGGAACCACGCCTCTAGATATGGCCACCAGCTGGCAGGTGAGTGCC-3'
Protein context (NP_003989.2, residues 757-777): LDDSWENAGE[Asp767=]EGVVPGTTPL

ClinVar aggregate classification (germline): Likely benign (0 of 4 stars; one submission).

Conditions:
NFKB1-related disorder. Also called: NFKB1-related condition.

Allele frequency attached by ClinVar (database versions not stated): gnomAD exomes below 0.00001.
gnomAD v4.1: 1 of 1,614,004 alleles (0.000062%); highest among the groups gnomAD compares: Non-Finnish European, 0.000085%; no homozygotes.

Submission:

PreventionGenetics, part of Exact Sciences
Classification: Likely benign for NFKB1-related condition. Last evaluated: 2024-02-01. Review status: no assertion criteria provided. Collection method: clinical testing. Allele origin: germline.
Comment: This variant is classified as likely benign based on ACMG/AMP sequence variant interpretation guidelines (Richards et al. 2015 PMID: 25741868, with internal and published modifications).